The following is an entry in ClinVar:

NM_000384.3(APOB):c.8858C>A (p.Pro2953His)

Gene: APOB (apolipoprotein B; minus strand). Cytogenetic location: 2p24.1.
Variant type: single nucleotide variant.
Coding change: c.8858C>A on transcript NM_000384.3 (MANE Select); coding-DNA position 8858, C replaced by A.
Protein change: p.Pro2953His; replaces proline 2953 with histidine.
Molecular consequence: missense variant.
Genome position (GRCh38, 1-based): chr2:21,008,010, G>T on the plus strand (C>A on the coding strand, the complement: APOB is on the minus strand). VCF-style: chr2-21008010-G-T. GRCh37 (hg19) VCF-style: chr2-21230882-G-T.
Other names: short protein forms P2953H.
Identifiers: ClinVar variation 923822 (VCV000923822.9), dbSNP rs754457820, ClinGen allele CA345993209.

ClinVar aggregate classification (germline): Uncertain significance. Review status: criteria provided, multiple submitters, no conflicts (2 of 4 stars). 3 submissions from 3 submitters: Uncertain significance (3). Last evaluated 2023-08-31.

Conditions:
Cardiovascular phenotype. Identifiers: MedGen CN230736.
Familial hypobetalipoproteinemia 1. Also called: Hypobetalipoproteinemia, normotriglyceridemic; Acanthocytosis with hypobetalipoproteinemia; APOB-Related Familial Hypobetalipoproteinemia. Identifiers: MedGen C4551990, MONDO:0014252, OMIM 615558.
Hypercholesterolemia, autosomal dominant, type B (FHCL2). Also called: Familial Hypercholesterolemia Type B; HYPERCHOLESTEROLEMIA, FAMILIAL, DUE TO LIGAND-DEFECTIVE APOLIPOPROTEIN B; Familial hypercholesterolemia 2; APOB-Related Familial Hypercholesterolemia, Autosomal Dominant; APOLIPOPROTEIN B-100, FAMILIAL DEFECTIVE; APOLIPOPROTEIN B-100, FAMILIAL LIGAND-DEFECTIVE. Identifiers: MedGen C1704417, MONDO:0007751, OMIM 144010.

gnomAD v4.1: 3 of 1,613,878 alleles (0.00019%); highest among the groups gnomAD compares: South Asian, 0.0011%; no homozygotes.

Submissions (3):

Labcorp Genetics (formerly Invitae), Labcorp
Classification: Uncertain significance for Familial hypobetalipoproteinemia 1; Hypercholesterolemia, autosomal dominant, type B. Last evaluated: 2023-08-31. Review status: criteria provided, single submitter. Criteria: Invitae Variant Classification Sherloc (09022015). Collection method: clinical testing. Allele origin: germline.
Comment: This variant has not been reported in the literature in individuals affected with APOB-related conditions. This variant is not present in population databases (gnomAD no frequency). This sequence change replaces proline, which is neutral and non-polar, with histidine, which is basic and polar, at codon 2953 of the APOB protein (p.Pro2953His). ClinVar contains an entry for this variant (Variation ID: 923822). In summary, the available evidence is currently insufficient to determine the role of this variant in disease. Therefore, it has been classified as a Variant of Uncertain Significance. Advanced modeling of protein sequence and biophysical properties (such as structural, functional, and spatial information, amino acid conservation, physicochemical variation, residue mobility, and thermodynamic stability) performed at Invitae indicates that this missense variant is not expected to disrupt APOB protein function.

GeneDx
Classification: Uncertain significance. Last evaluated: 2023-07-18. Review status: criteria provided, single submitter. Criteria: GeneDx Variant Classification Process June 2021. Collection method: clinical testing. Allele origin: germline. Affected: yes.
Comment: Not observed at significant frequency in large population cohorts (gnomAD); In silico analysis supports that this missense variant has a deleterious effect on protein structure/function; Has not been previously published as pathogenic or benign to our knowledge

Ambry Genetics
Classification: Uncertain significance for Cardiovascular phenotype. Last evaluated: 2022-09-19. Review status: criteria provided, single submitter. Criteria: Ambry Variant Classification Scheme 2023. Collection method: clinical testing. Allele origin: germline.
Comment: The p.P2953H variant (also known as c.8858C>A), located in coding exon 26 of the APOB gene, results from a C to A substitution at nucleotide position 8858. The proline at codon 2953 is replaced by histidine, an amino acid with similar properties. This amino acid position is conserved. In addition, this alteration is predicted to be tolerated by in silico analysis. Since supporting evidence is limited at this time, the clinical significance of this alteration remains unclear.